The following is an entry in ClinVar:

ClinVar aggregate classification (germline): Uncertain significance (1 of 4 stars; one submission).

Conditions:
Primary ciliary dyskinesia. Also called: Ciliary dyskinesia. Identifiers: Orphanet 244, MedGen C0008780, MONDO:0016575, HP:0012265.

Submission:

Labcorp Genetics (formerly Invitae), Labcorp
Classification: Uncertain significance for Primary ciliary dyskinesia. Last evaluated: 2025-03-26. Review status: criteria provided, single submitter. Criteria: Invitae Variant Classification Sherloc (09022015). Collection method: clinical testing. Allele origin: germline.
Comment: This sequence change replaces isoleucine, which is neutral and non-polar, with valine, which is neutral and non-polar, at codon 3156 of the DNAH8 protein (p.Ile3156Val). This variant is not present in population databases (gnomAD no frequency). This variant has not been reported in the literature in individuals affected with DNAH8-related conditions. Invitae Evidence Modeling of protein sequence and biophysical properties (such as structural, functional, and spatial information, amino acid conservation, physicochemical variation, residue mobility, and thermodynamic stability) indicates that this missense variant is not expected to disrupt DNAH8 protein function with a negative predictive value of 80%. In summary, the available evidence is currently insufficient to determine the role of this variant in disease. Therefore, it has been classified as a Variant of Uncertain Significance.

NM_001206927.2(DNAH8):c.9466A>G (p.Ile3156Val)

Genes: DNAH8 (dynein axonemal heavy chain 8; plus strand), DNAH8-AS1 (DNAH8 antisense RNA 1; minus strand). Cytogenetic location: 6p21.2.
Variant type: single nucleotide variant.
Coding change: c.9466A>G on transcript NM_001206927.2 (MANE Select); coding-DNA position 9466, A replaced by G.
Protein change: p.Ile3156Val; replaces isoleucine 3156 with valine.
Molecular consequence: missense variant.
Genome position (GRCh38, 1-based): chr6:38,908,073, A>G. VCF-style: chr6-38908073-A-G. GRCh37 (hg19) VCF-style: chr6-38875849-A-G.
Other names: c.8815A>G, p.Ile2939Val (NM_001371.4); short protein forms I2939V, I3156V.
Identifiers: ClinVar variation 4742135 (VCV004742135.1).
Genomic context (GRCh38, chr6:38,908,073, plus strand): 5'-GTGATGAAGAGGGAGCTACCTCGCCATCCTCCTACCTTTGATAATTTGTATGAATACTTC[A>G]TTTCAAGATCAAGGAAGAACTTACATGTTGTTCTCTGCTTTTCTCCAGTAAGTTTTTATT-3'
Protein context (NP_001193856.1, residues 3146-3166): PTFDNLYEYF[Ile3156Val]SRSRKNLHVV